The following is an entry in ClinVar:

NM_021098.3(CACNA1H):c.1457G>T (p.Trp486Leu)

Gene: CACNA1H (calcium voltage-gated channel subunit alpha1 H; plus strand). Cytogenetic location: 16p13.3.
Variant type: single nucleotide variant.
Coding change: c.1457G>T on transcript NM_021098.3 (MANE Select); coding-DNA position 1457, G replaced by T.
Protein change: p.Trp486Leu; replaces tryptophan 486 with leucine.
Molecular consequence: missense variant.
Genome position (GRCh38, 1-based): chr16:1,201,907, G>T. VCF-style: chr16-1201907-G-T. GRCh37 (hg19) VCF-style: chr16-1251907-G-T.
Other names: c.1457G>T, p.Trp486Leu (NM_001005407.2); short protein forms W486L.
Identifiers: ClinVar variation 1035473 (VCV001035473.9), dbSNP rs1967973162, ClinGen allele CA394160894.

ClinVar aggregate classification (germline): Uncertain significance. Review status: criteria provided, multiple submitters, no conflicts (2 of 4 stars). 2 submissions from 2 submitters: Uncertain significance (2). Last evaluated 2025-05-08.

Conditions:
Idiopathic generalized epilepsy. Also called: EIG; Generalised epilepsy. Identifiers: MedGen C0270850, MONDO:0005579, OMIM 600669.
Hyperaldosteronism, familial, type IV (HALD4). Also called: FH IV; ALDOSTERONISM, PRIMARY, AND HYPERTENSION. Identifiers: Orphanet 642671, MedGen C4310756, MONDO:0014875, OMIM 617027.

Allele frequency attached by ClinVar (database versions not stated): gnomAD exomes below 0.00001; gnomAD 0.00001; TOPMed 0.00001.
gnomAD v4.1: 4 of 1,550,268 alleles (0.00026%); highest among the groups gnomAD compares: Middle Eastern, 0.017%; no homozygotes.

Submissions (2):

Women's Health and Genetics/Laboratory Corporation of America, LabCorp
Classification: Uncertain significance. Last evaluated: 2025-05-08. Review status: criteria provided, single submitter. Criteria: LabCorp Variant Classification Summary - May 2015. Collection method: clinical testing. Allele origin: germline.
Comment: Variant summary: CACNA1H c.1457G>T (p.Trp486Leu) results in a non-conservative amino acid change in the encoded protein sequence. Algorithms developed to predict the effect of missense changes on protein structure and function are either unavailable or do not agree on the potential impact of this missense change. The frequency data for this variant in gnomAD is considered unreliable, as metrics indicate poor data quality at this position. To our knowledge, no occurrence of c.1457G>T in individuals affected with Idiopathic Generalized Epilepsy and no experimental evidence demonstrating its impact on protein function have been reported. ClinVar contains an entry for this variant (Variation ID: 1035473). Based on the evidence outlined above, the variant was classified as uncertain significance.

Labcorp Genetics (formerly Invitae), Labcorp
Classification: Uncertain significance for Idiopathic generalized epilepsy; Hyperaldosteronism, familial, type IV. Last evaluated: 2023-08-10. Review status: criteria provided, single submitter. Criteria: Invitae Variant Classification Sherloc (09022015). Collection method: clinical testing. Allele origin: germline.
Comment: This sequence change replaces tryptophan, which is neutral and slightly polar, with leucine, which is neutral and non-polar, at codon 486 of the CACNA1H protein (p.Trp486Leu). This variant is not present in population databases (gnomAD no frequency). This variant has not been reported in the literature in individuals affected with CACNA1H-related conditions. ClinVar contains an entry for this variant (Variation ID: 1035473). Advanced modeling of protein sequence and biophysical properties (such as structural, functional, and spatial information, amino acid conservation, physicochemical variation, residue mobility, and thermodynamic stability) performed at Invitae indicates that this missense variant is not expected to disrupt CACNA1H protein function. In summary, the available evidence is currently insufficient to determine the role of this variant in disease. Therefore, it has been classified as a Variant of Uncertain Significance.